The following is an entry in ClinVar:

NM_000518.5(HBB):c.*112A>T

Genes: HBB (hemoglobin subunit beta; minus strand), LOC110006319 (beta-globin gene 3' regulatory region; plus strand), LOC107133510 (origin of replication at HBB; plus strand). Cytogenetic location: 11p15.4.
Variant type: single nucleotide variant.
Coding change: c.*112A>T on transcript NM_000518.5 (MANE Select); 112 bases downstream of the stop codon, A replaced by T.
Molecular consequence: 3 prime UTR variant.
Genome position (GRCh38, 1-based): chr11:5,225,486, T>A on the plus strand (A>T on the coding strand, the complement: HBB is on the minus strand). VCF-style: chr11-5225486-T-A. GRCh37 (hg19) VCF-style: chr11-5246716-T-A.
Identifiers: ClinVar variation 1723320 (VCV001723320.4), dbSNP rs63750954, ClinGen allele CA217112071.

ClinVar aggregate classification (germline): Uncertain significance. Review status: criteria provided, multiple submitters, no conflicts (2 of 4 stars). 2 submissions from 2 submitters: Uncertain significance (2). Last evaluated 2025-06-11.

Allele frequency attached by ClinVar (database versions not stated): gnomAD 0.00001.
gnomAD v4.1: 1 of 1,012,112 alleles (0.000099%); highest among the groups gnomAD compares: African/African-American, 0.0016%; no homozygotes.

Submissions (2):

Quest Diagnostics Nichols Institute San Juan Capistrano
Classification: Uncertain significance. Last evaluated: 2025-06-11. Review status: criteria provided, single submitter. Criteria: Quest Diagnostics criteria. Collection method: clinical testing. Allele origin: unknown.
Comment: The HBB c.*112A>T variant occurs in the mRNA poly A signal hexamer (AATAAA>AATATA) and can affect beta globin (HBB) expression. This variant has been reported in the published literature in individuals affected with beta thalassemia who also carried another deleterious beta globin variant (PMIDs: 15820953 (2005) and 26635043 (2016)). The frequency of this variant in the general population, (Genome Aggregation Database), is uninformative in the assessment of its pathogenicity. Based on the available information, we are unable to determine the clinical significance of this variant.

Women's Health and Genetics/Laboratory Corporation of America, LabCorp
Classification: Uncertain significance. Last evaluated: 2022-10-15. Review status: criteria provided, single submitter. Criteria: LabCorp Variant Classification Summary - May 2015. Collection method: clinical testing. Allele origin: germline.
Comment: Variant summary: HBB c.*112A>T is located in the untranslated mRNA region downstream of the termination codon. The variant allele was found at a frequency of 6.6e-06 in 150974 control chromosomes (gnomAD v3.1.2). The available data on variant occurrences in the general population are insufficient to allow any conclusion about variant significance. c.*112A>T has been reported in the literature in individuals affected with Beta Thalassemia (Giordano_2005, Henderson_2015). These data do not allow any conclusion about variant significance. To our knowledge, no experimental evidence demonstrating an impact on protein function has been reported. No clinical diagnostic laboratories have submitted clinical-significance assessments for this variant to ClinVar after 2014. Based on the evidence outlined above, the variant was classified as uncertain significance.

Literature cited by the submitters: PubMed 37606238 (cited by Quest Diagnostics Nichols Institute San Juan Capistrano); PubMed 30842225 (cited by Quest Diagnostics Nichols Institute San Juan Capistrano); PubMed 16645853 (cited by Quest Diagnostics Nichols Institute San Juan Capistrano); PubMed 26418075 (cited by Quest Diagnostics Nichols Institute San Juan Capistrano); PubMed 15820953 (cited by Quest Diagnostics Nichols Institute San Juan Capistrano and Women's Health and Genetics/Laboratory Corporation of America, LabCorp); PubMed 26635043 (cited by Quest Diagnostics Nichols Institute San Juan Capistrano and Women's Health and Genetics/Laboratory Corporation of America, LabCorp).